The following is an entry in ClinVar:

NM_015047.3(EMC1):c.2002T>C (p.Ser668Pro)

Genes: EMC1 (ER membrane protein complex subunit 1; minus strand), EMC1-AS1 (EMC1 antisense RNA 1; plus strand). Cytogenetic location: 1p36.13.
Variant type: single nucleotide variant.
Coding change: c.2002T>C on transcript NM_015047.3 (MANE Select); coding-DNA position 2002, T replaced by C.
Protein change: p.Ser668Pro; replaces serine 668 with proline.
Molecular consequence: missense variant.
Genome position (GRCh38, 1-based): chr1:19,230,906, A>G on the plus strand (T>C on the coding strand, the complement: EMC1 is on the minus strand). VCF-style: chr1-19230906-A-G. GRCh37 (hg19) VCF-style: chr1-19557400-A-G.
Other names: c.1999T>C, p.Ser667Pro (NM_001271427.2, NM_001271428.2); c.1936T>C, p.Ser646Pro (NM_001271429.2); c.2011T>C, p.Ser671Pro (NM_001375820.1); c.2008T>C, p.Ser670Pro (NM_001375821.1); short protein forms S670P, S668P, S671P, S646P, S667P.
Identifiers: ClinVar variation 2695510 (VCV002695510.3), dbSNP rs1455196119, ClinGen allele CA338758635.

ClinVar aggregate classification (germline): Uncertain significance (1 of 4 stars; one submission).

Allele frequency attached by ClinVar (database versions not stated): gnomAD 0.00001; gnomAD exomes 0.00001; TOPMed 0.00001.
gnomAD v4.1: 15 of 1,614,084 alleles (0.00093%); highest among the groups gnomAD compares: Non-Finnish European, 0.0013%; no homozygotes.

Submission:

Labcorp Genetics (formerly Invitae), Labcorp
Classification: Uncertain significance. Last evaluated: 2023-12-23. Review status: criteria provided, single submitter. Criteria: Invitae Variant Classification Sherloc (09022015). Collection method: clinical testing. Allele origin: germline.
Comment: This sequence change replaces serine, which is neutral and polar, with proline, which is neutral and non-polar, at codon 668 of the EMC1 protein (p.Ser668Pro). This variant is present in population databases (no rsID available, gnomAD 0.0009%). This variant has not been reported in the literature in individuals affected with EMC1-related conditions. Advanced modeling of protein sequence and biophysical properties (such as structural, functional, and spatial information, amino acid conservation, physicochemical variation, residue mobility, and thermodynamic stability) performed at Invitae indicates that this missense variant is not expected to disrupt EMC1 protein function with a negative predictive value of 80%. In summary, the available evidence is currently insufficient to determine the role of this variant in disease. Therefore, it has been classified as a Variant of Uncertain Significance.